The following is an entry in ClinVar:

ClinVar aggregate classification (germline): Uncertain significance (1 of 4 stars; one submission).

Conditions:
Hereditary pancreatitis (PCTT). Also called: Hereditary chronic pancreatitis; PRSS1-Related Hereditary Pancreatitis. Identifiers: Orphanet 676, MedGen C0238339, MONDO:0008185, OMIM 167800.

gnomAD v4.1: 1 of 1,614,200 alleles (0.000062%); highest among the groups gnomAD compares: African/African-American, 0.0013%; no homozygotes.

Submission:

Ambry Genetics
Classification: Uncertain significance for Hereditary pancreatitis. Last evaluated: 2022-09-10. Review status: criteria provided, single submitter. Criteria: Ambry Variant Classification Scheme 2023. Collection method: clinical testing. Allele origin: germline.
Comment: The p.I179F variant (also known as c.535A>T), located in coding exon 4 of the PRSS1 gene, results from an A to T substitution at nucleotide position 535. The isoleucine at codon 179 is replaced by phenylalanine, an amino acid with highly similar properties. This amino acid position is conserved. In addition, the in silico prediction for this alteration is inconclusive. Since supporting evidence is limited at this time, the clinical significance of this alteration remains unclear.

NM_002769.5(PRSS1):c.535A>T (p.Ile179Phe)

Genes: PRSS1 (serine protease 1; plus strand), TRB (T cell receptor beta locus; plus strand). Cytogenetic location: 7q34.
Variant type: single nucleotide variant.
Coding change: c.535A>T on transcript NM_002769.5 (MANE Select); coding-DNA position 535, A replaced by T.
Protein change: p.Ile179Phe; replaces isoleucine 179 with phenylalanine.
Molecular consequence: missense variant. On other transcripts: non-coding transcript variant (5).
Genome position (GRCh38, 1-based): chr7:142,752,511, A>T. VCF-style: chr7-142752511-A-T. GRCh37 (hg19) VCF-style: chr7-142460362-A-T.
Other names: short protein forms I179F.
Identifiers: ClinVar variation 1747049 (VCV001747049.2), dbSNP rs1386024325, ClinGen allele CA369610285.
Genomic context (GRCh38, chr7:142,752,511, plus strand): 5'-CAGTGCCTGGATGCTCCTGTGCTGAGCCAGGCTAAGTGTGAAGCCTCCTACCCTGGAAAG[A>T]TTACCAGCAACATGTTCTGTGTGGGCTTCCTTGAGGGAGGCAAGGATTCATGTCAGGTGA-3'
Protein context (NP_002760.1, residues 169-189): AKCEASYPGK[Ile179Phe]TSNMFCVGFL